The following is an entry in ClinVar:

ClinVar aggregate classification (germline): Uncertain significance (1 of 4 stars; one submission).

Submission:

GeneDx
Classification: Uncertain significance. Last evaluated: 2024-03-27. Review status: criteria provided, single submitter. Criteria: GeneDx Variant Classification Process June 2021. Collection method: clinical testing. Allele origin: germline. Affected: yes.
Comment: Not observed at significant frequency in large population cohorts (gnomAD); Missense variant in a gene in which most reported pathogenic variants are truncating/loss of function; Has not been previously published as pathogenic or benign to our knowledge

NM_001267550.2(TTN):c.57925A>G (p.Lys19309Glu)

Genes: TTN (titin; minus strand), TTN-AS1 (TTN antisense RNA 1; plus strand). Cytogenetic location: 2q31.2.
Variant type: single nucleotide variant.
Coding change: c.57925A>G on transcript NM_001267550.2 (MANE Select); coding-DNA position 57925, A replaced by G.
Protein change: p.Lys19309Glu; replaces lysine 19309 with glutamic acid.
Molecular consequence: missense variant.
Genome position (GRCh38, 1-based): chr2:178,594,569, T>C on the plus strand (A>G on the coding strand, the complement: TTN is on the minus strand). VCF-style: chr2-178594569-T-C. GRCh37 (hg19) VCF-style: chr2-179459296-T-C.
Other names: c.53002A>G, p.Lys17668Glu (NM_001256850.1); c.30730A>G, p.Lys10244Glu (NM_003319.4); c.50221A>G, p.Lys16741Glu (NM_133378.4); c.31105A>G, p.Lys10369Glu (NM_133432.3); c.31306A>G, p.Lys10436Glu (NM_133437.4); short protein forms K10244E, K10369E, K10436E, K16741E, K17668E, K19309E.
Identifiers: ClinVar variation 3371547 (VCV003371547.1).